The following is an entry in ClinVar:

NM_000059.4(BRCA2):c.4676T>G (p.Phe1559Cys)

Gene: BRCA2 (BRCA2 DNA repair associated; plus strand). Cytogenetic location: 13q13.1.
Variant type: single nucleotide variant.
Coding change: c.4676T>G on transcript NM_000059.4 (MANE Select); coding-DNA position 4676, T replaced by G.
Protein change: p.Phe1559Cys; replaces phenylalanine 1559 with cysteine.
Molecular consequence: missense variant.
Genome position (GRCh38, 1-based): chr13:32,339,031, T>G. VCF-style: chr13-32339031-T-G. GRCh37 (hg19) VCF-style: chr13-32913168-T-G.
Other names: short protein forms F1559C.
Identifiers: ClinVar variation 409465 (VCV000409465.26), dbSNP rs1060502411, ClinGen allele CA16614311.

ClinVar aggregate classification (germline): Conflicting classifications of pathogenicity. Review status: criteria provided, conflicting classifications (1 of 4 stars). 5 submissions from 5 submitters: Uncertain significance (4); Likely benign (1). Last evaluated 2024-09-30.

Conditions:
Hereditary breast ovarian cancer syndrome. Also called: Hereditary breast and ovarian cancer; Hereditary breast and/or ovarian cancer syndrome; BRCA1- and BRCA2-Associated Hereditary Breast and Ovarian Cancer; Hereditary breast and ovarian cancer syndrome; Hereditary breast and ovarian cancer syndrome (HBOC); Breast and ovarian cancer. Identifiers: Orphanet 145, MedGen C0677776, MeSH D061325, MONDO:0003582. Disease mechanism: loss of function.
Hereditary cancer-predisposing syndrome. Also called: Tumor predisposition; Hereditary Cancer Syndrome; Hereditary neoplastic syndrome; Neoplastic Syndromes, Hereditary. Identifiers: Orphanet 140162, MedGen C0027672, MeSH D009386, MONDO:0015356.

Submissions (5):

Ambry Genetics
Classification: Uncertain significance for Hereditary cancer-predisposing syndrome. Last evaluated: 2024-09-30. Review status: criteria provided, single submitter. Criteria: Ambry Variant Classification Scheme 2023. Collection method: clinical testing. Allele origin: germline.
Comment: The p.F1559C variant (also known as c.4676T>G), located in coding exon 10 of the BRCA2 gene, results from a T to G substitution at nucleotide position 4676. The phenylalanine at codon 1559 is replaced by cysteine, an amino acid with highly dissimilar properties. This amino acid position is poorly conserved in available vertebrate species. In addition, this alteration is predicted to be tolerated by in silico analysis. Since supporting evidence is limited at this time, the clinical significance of this alteration remains unclear.

Color Diagnostics, LLC DBA Color Health
Classification: Uncertain significance for Hereditary cancer-predisposing syndrome. Last evaluated: 2023-12-04. Review status: criteria provided, single submitter. Criteria: ACMG Guidelines, 2015. Collection method: clinical testing. Allele origin: germline.
Comment: This missense variant replaces phenylalanine with cysteine at codon 1559 of the BRCA2 protein. Computational prediction suggests that this variant may not impact protein structure and function (internally defined REVEL score threshold <= 0.5, PMID: 27666373). To our knowledge, functional studies have not been reported for this variant. This variant has not been reported in individuals affected with BRCA2-related disorders in the literature. This variant has not been identified in the general population by the Genome Aggregation Database (gnomAD). The available evidence is insufficient to determine the role of this variant in disease conclusively. Therefore, this variant is classified as a Variant of Uncertain Significance.

Labcorp Genetics (formerly Invitae), Labcorp
Classification: Uncertain significance for Hereditary breast ovarian cancer syndrome. Last evaluated: 2023-06-14. Review status: criteria provided, single submitter. Criteria: Invitae Variant Classification Sherloc (09022015). Collection method: clinical testing. Allele origin: germline.
Comment: In summary, the available evidence is currently insufficient to determine the role of this variant in disease. Therefore, it has been classified as a Variant of Uncertain Significance. Advanced modeling of protein sequence and biophysical properties (such as structural, functional, and spatial information, amino acid conservation, physicochemical variation, residue mobility, and thermodynamic stability) performed at Invitae indicates that this missense variant is not expected to disrupt BRCA2 protein function. ClinVar contains an entry for this variant (Variation ID: 409465). This variant has not been reported in the literature in individuals affected with BRCA2-related conditions. This variant is not present in population databases (gnomAD no frequency). This sequence change replaces phenylalanine, which is neutral and non-polar, with cysteine, which is neutral and slightly polar, at codon 1559 of the BRCA2 protein (p.Phe1559Cys).

University of Washington Department of Laboratory Medicine, University of Washington
Classification: Likely benign for Hereditary cancer-predisposing syndrome. Last evaluated: 2023-03-23. Review status: criteria provided, single submitter. Criteria: Dines et al. (Genet Med. 2020). Collection method: curation. Allele origin: germline.
Comment: Missense variant in a coldspot region where missense variants are very unlikely to be pathogenic (PMID:31911673).

BRCA2 exon 11 coldspot. Reclassification based on statistical prior probability.

Quest Diagnostics Nichols Institute San Juan Capistrano
Classification: Uncertain significance. Last evaluated: 2016-12-26. Review status: criteria provided, single submitter. Criteria: Quest Diagnostics criteria. Collection method: clinical testing. Allele origin: germline.